The following is an entry in ClinVar:

ClinVar aggregate classification (germline): Uncertain significance. Review status: criteria provided, multiple submitters, no conflicts (2 of 4 stars). 2 submissions from 2 submitters: Uncertain significance (2). Last evaluated 2025-12-23.

Submissions (2):

Labcorp Genetics (formerly Invitae), Labcorp
Classification: Uncertain significance. Last evaluated: 2025-12-23. Review status: criteria provided, single submitter. Criteria: Invitae Variant Classification Sherloc (09022015). Collection method: clinical testing. Allele origin: germline.
Comment: This sequence change replaces glutamine, which is neutral and polar, with proline, which is neutral and non-polar, at codon 310 of the KLHL9 protein (p.Gln310Pro). This variant is not present in population databases (gnomAD no frequency). This variant has not been reported in the literature in individuals affected with KLHL9-related conditions. An algorithm developed to predict the effect of missense changes on protein structure and function (PolyPhen-2) suggests that this variant is likely to be disruptive. In summary, the available evidence is currently insufficient to determine the role of this variant in disease. Therefore, it has been classified as a Variant of Uncertain Significance.

Ambry Genetics
Classification: Uncertain significance. Last evaluated: 2025-10-22. Review status: criteria provided, single submitter. Criteria: Ambry Variant Classification Scheme 2023. Collection method: clinical testing. Allele origin: germline.

NM_018847.4(KLHL9):c.929A>C (p.Gln310Pro)

Gene: KLHL9 (kelch like family member 9; minus strand). Cytogenetic location: 9p21.3.
Variant type: single nucleotide variant.
Coding change: c.929A>C on transcript NM_018847.4 (MANE Select); coding-DNA position 929, A replaced by C.
Protein change: p.Gln310Pro; replaces glutamine 310 with proline.
Molecular consequence: missense variant.
Genome position (GRCh38, 1-based): chr9:21,333,931, T>G on the plus strand (A>C on the coding strand, the complement: KLHL9 is on the minus strand). VCF-style: chr9-21333931-T-G. GRCh37 (hg19) VCF-style: chr9-21333930-T-G.
Other names: short protein forms Q310P.
Identifiers: ClinVar variation 4544651 (VCV004544651.2).
Genomic context (GRCh38, chr9:21,333,931, plus strand): 5'-AAAGATCTCCATTCTTGTGCCCTTTCATCATACATCCGTAATTCTTTACTGACAACCAGC[T>G]GCTGCCTCAAAACTCCTCCTAATGTAACCAAGTGAGTGGAGTCAGATCGAATGGCAGTTC-3'
Protein context (NP_061335.1, residues 300-320): LVTLGGVLRQ[Gln310Pro]LVVSKELRMY